The following is an entry in ClinVar:

ClinVar aggregate classification (germline): Pathogenic/Likely pathogenic. Review status: criteria provided, multiple submitters, no conflicts (2 of 4 stars). 3 submissions from 3 submitters: Pathogenic (1); Likely pathogenic (1). 1 of the submissions does not count toward it. Last evaluated 2025-12-22.

Conditions:
Pyridoxine-dependent epilepsy (EPEO4). Also called: Pyridoxine-Dependent Epilepsy - ALDH7A1; PYRIDOXINE DEPENDENCY WITH SEIZURES; EPILEPSY, EARLY-ONSET, 4, VITAMIN B6-DEPENDENT; Pyridoxine-Dependent Seizures. Identifiers: Orphanet 3006, MedGen C1849508, MONDO:0009945, OMIM 266100. Disease mechanism: loss of function.

Allele frequency attached by ClinVar (database versions not stated): ExAC 0.00001; gnomAD 0.00001; gnomAD exomes 0.00001; ESP Exome Variant Server 0.00008.
gnomAD v4.1: 6 of 1,613,916 alleles (0.00037%); highest among the groups gnomAD compares: African/African-American, 0.0053%; no homozygotes.

Submissions (3):

Labcorp Genetics (formerly Invitae), Labcorp
Classification: Pathogenic for Pyridoxine-dependent epilepsy. Last evaluated: 2025-12-22. Review status: criteria provided, single submitter. Criteria: Invitae Variant Classification Sherloc (09022015). Collection method: clinical testing. Allele origin: germline.
Comment: This sequence change replaces serine, which is neutral and polar, with leucine, which is neutral and non-polar, at codon 317 of the ALDH7A1 protein (p.Ser317Leu). This variant is present in population databases (rs148052962, gnomAD 0.009%). This missense change has been observed in individual(s) with pyridoxine-dependent epilepsy (PMID: 26224730, 26995068). This variant is also known as p.Ser289Leu. ClinVar contains an entry for this variant (Variation ID: 1303050). Invitae Evidence Modeling of protein sequence and biophysical properties (such as structural, functional, and spatial information, amino acid conservation, physicochemical variation, residue mobility, and thermodynamic stability) indicates that this missense variant is expected to disrupt ALDH7A1 protein function with a positive predictive value of 95%. For these reasons, this variant has been classified as Pathogenic.

Women's Health and Genetics/Laboratory Corporation of America, LabCorp
Classification: Likely pathogenic for Pyridoxine-dependent epilepsy. Last evaluated: 2025-05-20. Review status: criteria provided, single submitter. Criteria: LabCorp Variant Classification Summary - May 2015. Collection method: clinical testing. Allele origin: germline.
Comment: Variant summary: ALDH7A1 c.950C>T (p.Ser317Leu) results in a non-conservative amino acid change in the encoded protein sequence. Algorithms developed to predict the effect of missense changes on protein structure and function are either unavailable or do not agree on the potential impact of this missense change. The variant allele was found at a frequency of 1.2e-05 in 251182 control chromosomes (gnomAD). c.950C>T has been observed in individuals affected with Pyridoxine-Dependent Epilepsy (e.g. Mefford_2015, Coughlin_2019). These data indicate that the variant may be associated with disease. At least one publication reports experimental evidence evaluating an impact on protein expression, finding that the variant results in <1% of normal protein expression (Coughlin_2019). The following publications have been ascertained in the context of this evaluation (PMID: 20554659, 26224730, 26026794, 26995068). ClinVar contains an entry for this variant (Variation ID: 1303050). Based on the evidence outlined above, the variant was classified as likely pathogenic.

GeneDx
Classification: Uncertain significance. Last evaluated: 2020-11-02. Review status: flagged submission. Criteria: GeneDx Variant Classification Process June 2021. Collection method: clinical testing. Allele origin: germline. Affected: yes. Not counted in ClinVar's aggregate classification.
Comment: In silico analysis supports that this missense variant has a deleterious effect on protein structure/function; This variant is associated with the following publications: (PMID: 26026794, 30005813, 20554659, 26995068, 32956737, 26224730, 30043187)
ClinVar note: Reason: Older and outlier claim with insufficient supporting evidence

Literature cited by the submitters: PubMed 26224730 (cited by Labcorp Genetics (formerly Invitae), Labcorp and Women's Health and Genetics/Laboratory Corporation of America, LabCorp); PubMed 26995068 (cited by Labcorp Genetics (formerly Invitae), Labcorp and Women's Health and Genetics/Laboratory Corporation of America, LabCorp); PubMed 20554659 (cited by Women's Health and Genetics/Laboratory Corporation of America, LabCorp); PubMed 26026794 (cited by Women's Health and Genetics/Laboratory Corporation of America, LabCorp).

NM_001182.5(ALDH7A1):c.950C>T (p.Ser317Leu)

Gene: ALDH7A1 (aldehyde dehydrogenase 7 family member A1; minus strand). Cytogenetic location: 5q23.2.
Variant type: single nucleotide variant.
Coding change: c.950C>T on transcript NM_001182.5 (MANE Select); coding-DNA position 950, C replaced by T.
Protein change: p.Ser317Leu; replaces serine 317 with leucine.
Molecular consequence: missense variant.
Genome position (GRCh38, 1-based): chr5:126,559,298, G>A on the plus strand (C>T on the coding strand, the complement: ALDH7A1 is on the minus strand). VCF-style: chr5-126559298-G-A. GRCh37 (hg19) VCF-style: chr5-125894990-G-A.
Other names: c.866C>T, p.Ser289Leu (NM_001201377.2); c.950C>T, p.Ser317Leu (NM_001202404.2); short protein forms S289L, S317L.
Identifiers: ClinVar variation 1303050 (VCV001303050.10), dbSNP rs148052962, ClinGen allele CA3389577.